The following is an entry in ClinVar:

ClinVar aggregate classification (germline): Uncertain significance (1 of 4 stars; one submission).

Conditions:
PHIP-related disorder. Also called: PHIP-related disorders; PHIP-related condition.

gnomAD v4.1: 2 of 1,608,132 alleles (0.00012%); highest among the groups gnomAD compares: Non-Finnish European, 0.00017%; no homozygotes.

Submission:

PreventionGenetics, part of Exact Sciences
Classification: Uncertain significance for PHIP-related condition. Last evaluated: 2025-07-08. Review status: criteria provided, single submitter. Criteria: ACMG Guidelines, 2015. Collection method: clinical testing. Allele origin: germline.
Comment: The PHIP c.2222C>T variant is predicted to result in the amino acid substitution p.Thr741Ile. To our knowledge, this variant has not been reported in the literature or in a large population database (gnomAD), indicating this variant is rare. At this time, the clinical significance of this variant is uncertain due to the absence of conclusive functional and genetic evidence.

NM_017934.7(PHIP):c.2222C>T (p.Thr741Ile)

Gene: PHIP (PHIP subunit of CUL4-Ring ligase complex; minus strand). Cytogenetic location: 6q14.1.
Variant type: single nucleotide variant.
Coding change: c.2222C>T on transcript NM_017934.7 (MANE Select); coding-DNA position 2222, C replaced by T.
Protein change: p.Thr741Ile; replaces threonine 741 with isoleucine.
Molecular consequence: missense variant.
Genome position (GRCh38, 1-based): chr6:78,990,965, G>A on the plus strand (C>T on the coding strand, the complement: PHIP is on the minus strand). VCF-style: chr6-78990965-G-A. GRCh37 (hg19) VCF-style: chr6-79700682-G-A.
Other names: short protein forms T741I.
Identifiers: ClinVar variation 4987134 (VCV004987134.1).